The following is an entry in ClinVar:

ClinVar aggregate classification (germline): Conflicting classifications of pathogenicity. Review status: criteria provided, conflicting classifications (1 of 4 stars). 5 submissions from 5 submitters: Uncertain significance (3); Likely benign (2). Last evaluated 2026-04-01.

Conditions:
Inborn genetic diseases. Identifiers: MedGen C0950123, MeSH D030342.
Charcot-Marie-Tooth disease axonal type 2C (HMSN2C). Also called: Charcot-Marie-Tooth Disease Type 2, TRPV4-Related (CMT2C); CHARCOT-MARIE-TOOTH DISEASE, AXONAL, AUTOSOMAL DOMINANT, TYPE 2C; Charcot-Marie-Tooth Neuropathy Type 2C. Identifiers: Orphanet 99937, MedGen C1853710, MONDO:0011633, OMIM 606071.

Allele frequency attached by ClinVar (database versions not stated): gnomAD 0.00001 and 0.00003; gnomAD exomes 0.00005 and 0.00006; TOPMed 0.00005; ExAC 0.00007.

Submissions (5):

CeGaT Center for Human Genetics Tuebingen
Classification: Uncertain significance. Last evaluated: 2026-04-01. Review status: criteria provided, single submitter. Criteria: CeGaT Center For Human Genetics Tuebingen Variant Classification Criteria Version 2. Collection method: clinical testing. Allele origin: germline. Affected: yes. Observed: 1 variant allele.

Laboratory of Genetics, Children's Clinical University Hospital Latvia
Classification: Uncertain significance. Last evaluated: 2025-02-16. Review status: criteria provided, single submitter. Criteria: ACMG Guidelines, 2015. Collection method: clinical testing. Allele origin: germline. Affected: yes.

Labcorp Genetics (formerly Invitae), Labcorp
Classification: Likely benign for Charcot-Marie-Tooth disease axonal type 2C. Last evaluated: 2024-10-16. Review status: criteria provided, single submitter. Criteria: Invitae Variant Classification Sherloc (09022015). Collection method: clinical testing. Allele origin: germline.

Ambry Genetics
Classification: Likely benign for Inborn genetic diseases. Last evaluated: 2020-03-05. Review status: criteria provided, single submitter. Criteria: Ambry Variant Classification Scheme 2023. Collection method: clinical testing. Allele origin: germline.

ARUP Laboratories, Molecular Genetics and Genomics, ARUP Laboratories
Classification: Uncertain significance. Last evaluated: 2020-01-16. Review status: criteria provided, single submitter. Criteria: ARUP Molecular Germline Variant Investigation Process. Collection method: clinical testing. Allele origin: germline.
Comment: The TRPV4 c.535C>T; p.Arg179Cys variant (rs751647405), to our knowledge, is not reported in the medical literature or gene specific databases. This variant is found in South Asian population with an allele frequency of 0.042% (13/30614 alleles) in the Genome Aggregation Database. The arginine at codon 179 is moderately conserved, and computational analyses (SIFT: damaging, PolyPhen-2: benign) predict conflicting effects of this variant on protein structure/function. Due to limited information, the clinical significance of the p.Arg179Cys variant is uncertain at this time.

NM_021625.5(TRPV4):c.535C>T (p.Arg179Cys)

Gene: TRPV4 (transient receptor potential cation channel subfamily V member 4; minus strand). Cytogenetic location: 12q24.11.
Variant type: single nucleotide variant.
Coding change: c.535C>T on transcript NM_021625.5 (MANE Select); coding-DNA position 535, C replaced by T.
Protein change: p.Arg179Cys; replaces arginine 179 with cysteine.
Molecular consequence: missense variant.
Genome position (GRCh38, 1-based): chr12:109,808,320, G>A on the plus strand (C>T on the coding strand, the complement: TRPV4 is on the minus strand). VCF-style: chr12-109808320-G-A. GRCh37 (hg19) VCF-style: chr12-110246125-G-A.
Other names: c.535C>T, p.Arg179Cys (NM_147204.3, NM_001177428.2, NM_001177433.2); c.433C>T, p.Arg145Cys (NM_001177431.2); short protein forms R179C, R145C.
Identifiers: ClinVar variation 845303 (VCV000845303.21), dbSNP rs751647405, ClinGen allele CA6780522.